The following is an entry in ClinVar:

NM_025099.6(CTC1):c.228C>A (p.His76Gln)

Gene: CTC1 (CST telomere replication complex component 1; minus strand). Cytogenetic location: 17p13.1.
Variant type: single nucleotide variant.
Coding change: c.228C>A on transcript NM_025099.6 (MANE Select); coding-DNA position 228, C replaced by A.
Protein change: p.His76Gln; replaces histidine 76 with glutamine.
Molecular consequence: missense variant. On other transcripts: non-coding transcript variant (1).
Genome position (GRCh38, 1-based): chr17:8,238,599, G>T on the plus strand (C>A on the coding strand, the complement: CTC1 is on the minus strand). VCF-style: chr17-8238599-G-T. GRCh37 (hg19) VCF-style: chr17-8141917-G-T.
Other names: short protein forms H76Q.
Identifiers: ClinVar variation 1402970 (VCV001402970.8), dbSNP rs531109382, ClinGen allele CA397993877.

ClinVar aggregate classification (germline): Uncertain significance (1 of 4 stars; one submission).

Conditions:
Dyskeratosis congenita. Identifiers: Orphanet 1775, MedGen C0265965, MONDO:0015780.

gnomAD v4.1: 2 of 1,612,198 alleles (0.00012%); highest among the groups gnomAD compares: Non-Finnish European, 0.000085%; no homozygotes.

Submission:

Labcorp Genetics (formerly Invitae), Labcorp
Classification: Uncertain significance for Dyskeratosis congenita. Last evaluated: 2021-06-24. Review status: criteria provided, single submitter. Criteria: Invitae Variant Classification Sherloc (09022015). Collection method: clinical testing. Allele origin: germline.
Comment: In summary, the available evidence is currently insufficient to determine the role of this variant in disease. Therefore, it has been classified as a Variant of Uncertain Significance. Algorithms developed to predict the effect of missense changes on protein structure and function output the following: SIFT: "Deleterious"; PolyPhen-2: "Possibly Damaging"; Align-GVGD: "Class C0". The glutamine amino acid residue is found in multiple mammalian species, suggesting that this missense change does not adversely affect protein function. These predictions have not been confirmed by published functional studies and their clinical significance is uncertain. This sequence change replaces histidine with glutamine at codon 76 of the CTC1 protein (p.His76Gln). The histidine residue is moderately conserved and there is a small physicochemical difference between histidine and glutamine. This variant is not present in population databases (ExAC no frequency). This variant has not been reported in the literature in individuals with CTC1-related conditions.